The following is an entry in ClinVar:

ClinVar aggregate classification (germline): Likely benign (0 of 4 stars; one submission).

Conditions:
VPS13C-related disorder. Also called: VPS13C-related condition.

Allele frequency attached by ClinVar (database versions not stated): TOPMed below 0.00001; gnomAD 0.00001; gnomAD exomes 0.00002.
gnomAD v4.1: 35 of 1,578,834 alleles (0.0022%); highest among the groups gnomAD compares: Middle Eastern, 0.39%; no homozygotes.

Submission:

PreventionGenetics, part of Exact Sciences
Classification: Likely benign for VPS13C-related condition. Last evaluated: 2019-05-01. Review status: no assertion criteria provided. Collection method: clinical testing. Allele origin: germline.
Comment: This variant is classified as likely benign based on ACMG/AMP sequence variant interpretation guidelines (Richards et al. 2015 PMID: 25741868, with internal and published modifications).

NM_020821.3(VPS13C):c.1118+9G>T

Gene: VPS13C (vacuolar protein sorting 13 homolog C; minus strand). Cytogenetic location: 15q22.2.
Variant type: single nucleotide variant.
Coding change: c.1118+9G>T on transcript NM_020821.3 (MANE Select); 9 bases into the intron after coding-DNA position 1118, G replaced by T.
Molecular consequence: intron variant.
Genome position (GRCh38, 1-based): chr15:62,008,646, C>A on the plus strand (G>T on the coding strand, the complement: VPS13C is on the minus strand). VCF-style: chr15-62008646-C-A. GRCh37 (hg19) VCF-style: chr15-62300845-C-A.
Other names: c.989+9G>T (NM_017684.5, NM_018080.4); c.1118+9G>T (NM_001018088.3).
Identifiers: ClinVar variation 3059789 (VCV003059789.2), dbSNP rs865854451, ClinGen allele CA271918494.